The following is an entry in ClinVar:

ClinVar aggregate classification (germline): Uncertain significance. Review status: criteria provided, multiple submitters, no conflicts (2 of 4 stars). 2 submissions from 2 submitters: Uncertain significance (2). Last evaluated 2022-07-14.

Conditions:
Nemaline myopathy 8 (NEM8). Also called: Nemaline myopathy 8, autosomal recessive. Identifiers: Orphanet 171430, MedGen C3809209, MONDO:0014138, OMIM 615348.
Inborn genetic diseases. Identifiers: MedGen C0950123, MeSH D030342.

Allele frequency attached by ClinVar (database versions not stated): gnomAD 0.00001; TOPMed 0.00001.

Submissions (2):

Labcorp Genetics (formerly Invitae), Labcorp
Classification: Uncertain significance for Nemaline myopathy 8. Last evaluated: 2022-07-14. Review status: criteria provided, single submitter. Criteria: Invitae Variant Classification Sherloc (09022015). Collection method: clinical testing. Allele origin: germline.
Comment: This sequence change replaces leucine, which is neutral and non-polar, with glutamine, which is neutral and polar, at codon 251 of the KLHL40 protein (p.Leu251Gln). This variant is present in population databases (no rsID available, gnomAD 0.02%). In summary, the available evidence is currently insufficient to determine the role of this variant in disease. Therefore, it has been classified as a Variant of Uncertain Significance. Algorithms developed to predict the effect of missense changes on protein structure and function are either unavailable or do not agree on the potential impact of this missense change (SIFT: "Deleterious"; PolyPhen-2: "Benign"; Align-GVGD: "Class C0"). ClinVar contains an entry for this variant (Variation ID: 581235). This variant has not been reported in the literature in individuals affected with KLHL40-related conditions.

Ambry Genetics
Classification: Uncertain significance for Inborn genetic diseases. Last evaluated: 2021-10-26. Review status: criteria provided, single submitter. Criteria: Ambry Variant Classification Scheme 2023. Collection method: clinical testing. Allele origin: germline.

NM_152393.4(KLHL40):c.752T>A (p.Leu251Gln)

Gene: KLHL40 (kelch like family member 40; plus strand). Cytogenetic location: 3p22.1.
Variant type: single nucleotide variant.
Coding change: c.752T>A on transcript NM_152393.4 (MANE Select); coding-DNA position 752, T replaced by A.
Protein change: p.Leu251Gln; replaces leucine 251 with glutamine.
Molecular consequence: missense variant.
Genome position (GRCh38, 1-based): chr3:42,686,370, T>A. VCF-style: chr3-42686370-T-A. GRCh37 (hg19) VCF-style: chr3-42727862-T-A.
Other names: c.752T>A (NM_152393.2); short protein forms L251Q.
Identifiers: ClinVar variation 581235 (VCV000581235.6), dbSNP rs928500134, ClinGen allele CA74191922.